The following is an entry in ClinVar:

NM_007254.4(PNKP):c.576G>C (p.Trp192Cys)

Gene: PNKP (polynucleotide kinase 3'-phosphatase; minus strand). Cytogenetic location: 19q13.33.
Variant type: single nucleotide variant.
Coding change: c.576G>C on transcript NM_007254.4 (MANE Select); coding-DNA position 576, G replaced by C.
Protein change: p.Trp192Cys; replaces tryptophan 192 with cysteine.
Molecular consequence: missense variant.
Genome position (GRCh38, 1-based): chr19:49,864,326, C>G on the plus strand (G>C on the coding strand, the complement: PNKP is on the minus strand). VCF-style: chr19-49864326-C-G. GRCh37 (hg19) VCF-style: chr19-50367583-C-G.
Other names: short protein forms W192C.
Identifiers: ClinVar variation 1716990 (VCV001716990.6), dbSNP rs2514639965, ClinGen allele CA406886989.

ClinVar aggregate classification (germline): Uncertain significance (1 of 4 stars; one submission).

Conditions:
Developmental and epileptic encephalopathy, 12 (DEE12). Identifiers: MedGen C3150988, MONDO:0013389, OMIM 613722.

Submission:

Labcorp Genetics (formerly Invitae), Labcorp
Classification: Uncertain significance for Developmental and epileptic encephalopathy, 12. Last evaluated: 2023-10-13. Review status: criteria provided, single submitter. Criteria: Invitae Variant Classification Sherloc (09022015). Collection method: clinical testing. Allele origin: germline.
Comment: This sequence change replaces tryptophan, which is neutral and slightly polar, with cysteine, which is neutral and slightly polar, at codon 192 of the PNKP protein (p.Trp192Cys). This variant is not present in population databases (gnomAD no frequency). This variant has not been reported in the literature in individuals affected with PNKP-related conditions. ClinVar contains an entry for this variant (Variation ID: 1716990). An algorithm developed to predict the effect of missense changes on protein structure and function (PolyPhen-2) suggests that this variant is likely to be disruptive. In summary, the available evidence is currently insufficient to determine the role of this variant in disease. Therefore, it has been classified as a Variant of Uncertain Significance.